The following is an entry in ClinVar:

ClinVar aggregate classification (germline): Uncertain significance. Review status: criteria provided, multiple submitters, no conflicts (2 of 4 stars). 2 submissions from 2 submitters: Uncertain significance (2). Last evaluated 2024-03-24.

Conditions:
Hereditary cancer-predisposing syndrome. Also called: Neoplastic Syndromes, Hereditary; Tumor predisposition; Hereditary neoplastic syndrome; Hereditary Cancer Syndrome. Identifiers: Orphanet 140162, MedGen C0027672, MeSH D009386, MONDO:0015356.

Submissions (2):

Labcorp Genetics (formerly Invitae), Labcorp
Classification: Uncertain significance. Last evaluated: 2024-03-24. Review status: criteria provided, single submitter. Criteria: Invitae Variant Classification Sherloc (09022015). Collection method: clinical testing. Allele origin: germline.
Comment: This sequence change replaces isoleucine, which is neutral and non-polar, with valine, which is neutral and non-polar, at codon 15 of the HOXB13 protein (p.Ile15Val). This variant is not present in population databases (gnomAD no frequency). This variant has not been reported in the literature in individuals affected with HOXB13-related conditions. ClinVar contains an entry for this variant (Variation ID: 1353786). Algorithms developed to predict the effect of missense changes on protein structure and function output the following: SIFT: "Not Available"; PolyPhen-2: "Benign"; Align-GVGD: "Not Available". The valine amino acid residue is found in multiple mammalian species, which suggests that this missense change does not adversely affect protein function. In summary, the available evidence is currently insufficient to determine the role of this variant in disease. Therefore, it has been classified as a Variant of Uncertain Significance.

Ambry Genetics
Classification: Uncertain significance for Hereditary cancer-predisposing syndrome. Last evaluated: 2023-12-29. Review status: criteria provided, single submitter. Criteria: Ambry Variant Classification Scheme 2023. Collection method: clinical testing. Allele origin: germline.
Comment: The p.I15V variant (also known as c.43A>G), located in coding exon 1 of the HOXB13 gene, results from an A to G substitution at nucleotide position 43. The isoleucine at codon 15 is replaced by valine, an amino acid with highly similar properties. This amino acid position is conserved. In addition, this alteration is predicted to be tolerated by in silico analysis. Since supporting evidence is limited at this time, the clinical significance of this alteration remains unclear.

NM_006361.6(HOXB13):c.43A>G (p.Ile15Val)

Gene: HOXB13 (homeobox B13; minus strand). Cytogenetic location: 17q21.32.
Variant type: single nucleotide variant.
Coding change: c.43A>G on transcript NM_006361.6 (MANE Select); coding-DNA position 43, A replaced by G.
Protein change: p.Ile15Val; replaces isoleucine 15 with valine.
Molecular consequence: missense variant.
Genome position (GRCh38, 1-based): chr17:48,728,551, T>C on the plus strand (A>G on the coding strand, the complement: HOXB13 is on the minus strand). VCF-style: chr17-48728551-T-C. GRCh37 (hg19) VCF-style: chr17-46805913-T-C.
Other names: c.43A>G (NM_006361.5); short protein forms I15V.
Identifiers: ClinVar variation 1353786 (VCV001353786.9), dbSNP rs2143075634, ClinGen allele CA400109794.